The following is an entry in ClinVar:

ClinVar aggregate classification (germline): Uncertain significance (1 of 4 stars; one submission).

Conditions:
Progressive familial heart block type IB (PFHB1B). Identifiers: Orphanet 871, MedGen C1970298, MONDO:0011474, OMIM 604559.

Submission:

Labcorp Genetics (formerly Invitae), Labcorp
Classification: Uncertain significance for Progressive familial heart block type IB. Last evaluated: 2024-05-18. Review status: criteria provided, single submitter. Criteria: Invitae Variant Classification Sherloc (09022015). Collection method: clinical testing. Allele origin: germline.
Comment: This sequence change replaces threonine, which is neutral and polar, with alanine, which is neutral and non-polar, at codon 1046 of the TRPM4 protein (p.Thr1046Ala). This variant is not present in population databases (gnomAD no frequency). This variant has not been reported in the literature in individuals affected with TRPM4-related conditions. An algorithm developed to predict the effect of missense changes on protein structure and function (PolyPhen-2) suggests that this variant is likely to be disruptive. In summary, the available evidence is currently insufficient to determine the role of this variant in disease. Therefore, it has been classified as a Variant of Uncertain Significance.

NM_017636.4(TRPM4):c.3136A>G (p.Thr1046Ala)

Gene: TRPM4 (transient receptor potential cation channel subfamily M member 4; plus strand). Cytogenetic location: 19q13.33.
Variant type: single nucleotide variant.
Coding change: c.3136A>G on transcript NM_017636.4 (MANE Select); coding-DNA position 3136, A replaced by G.
Protein change: p.Thr1046Ala; replaces threonine 1046 with alanine.
Molecular consequence: missense variant.
Genome position (GRCh38, 1-based): chr19:49,210,213, A>G. VCF-style: chr19-49210213-A-G. GRCh37 (hg19) VCF-style: chr19-49713470-A-G.
Other names: c.2701A>G, p.Thr901Ala (NM_001195227.2); c.2791A>G, p.Thr931Ala (NM_001321281.2); c.1528A>G, p.Thr510Ala (NM_001321282.2); c.2614A>G, p.Thr872Ala (NM_001321283.2); c.2074A>G, p.Thr692Ala (NM_001321285.2); short protein forms T1046A, T872A, T931A, T510A, T901A, T692A.
Identifiers: ClinVar variation 3681025 (VCV003681025.2).